The following is an entry in ClinVar:

ClinVar aggregate classification (germline): Likely benign (1 of 4 stars; one submission).

Submission:

Molecular Diagnostic Laboratory for Inherited Cardiovascular Disease, Montreal Heart Institute
Classification: Likely benign. Last evaluated: 2025-04-09. Review status: criteria provided, single submitter. Criteria: ACMG Guidelines, 2015. Collection method: clinical testing. Allele origin: germline. Affected: no.
Comment: BS1

NM_000218.2(KCNQ1):c.-482_-423del

Gene: KCNQ1 (potassium voltage-gated channel subfamily Q member 1; plus strand). Cytogenetic location: 11p15.5.
Variant type: Deletion.
Coding change: c.-482_-423del on transcript NM_000218.2; 482 bases upstream of the start codon through 423 bases upstream of the start codon, 60 bases deleted.
Genome position (GRCh38, 1-based): chr11:2,444,622-2,444,681, 60 bases deleted. GRCh37 (hg19): chr11:2,465,852-2,465,911.
Identifiers: ClinVar variation 3895430 (VCV003895430.1), dbSNP rs1565022635.